The following is an entry in ClinVar:

NR_199791.1(RNU2-2):n.32T>C

Genes: RNU2-2 (RNA, U2 small nuclear 2; minus strand), WDR74 (WD repeat domain 74; minus strand). Cytogenetic location: 11q12.3.
Variant type: single nucleotide variant.
Molecular consequence: non-coding transcript variant (on NR_199791.1). On other transcripts: 5 prime UTR variant (1).
Genome position: GRCh38 VCF-style: chr11-62841778-A-G. GRCh37 (hg19) VCF-style: chr11-62609250-A-G.
Other names: c.-507T>C (NM_001369451.1).
Identifiers: ClinVar variation 4540471 (VCV004540471.1).

ClinVar aggregate classification (germline): Uncertain significance (1 of 4 stars; one submission).

Submission:

Institute for Human Genetics, University Hospital Essen
Classification: Uncertain significance. Last evaluated: 2025-11-27. Review status: criteria provided, single submitter. Criteria: Submitter's publication. Collection method: clinical testing. Allele origin: inherited. Inheritance: Autosomal unknown. Affected: yes. Observed: 1 variant allele, 1 compound heterozygote.
Comment: PM1, PM2_supp, PM3 (criteria rationale detailed in Leitão et al. Nature Genetics 2026)